The following is an entry in ClinVar:

ClinVar aggregate classification (germline): Uncertain significance (1 of 4 stars; one submission).

Conditions:
Hereditary cancer-predisposing syndrome. Also called: Hereditary neoplastic syndrome; Neoplastic Syndromes, Hereditary; Tumor predisposition; Hereditary Cancer Syndrome. Identifiers: Orphanet 140162, MedGen C0027672, MeSH D009386, MONDO:0015356.

Submission:

Ambry Genetics
Classification: Uncertain significance for Hereditary cancer-predisposing syndrome. Last evaluated: 2025-08-27. Review status: criteria provided, single submitter. Criteria: Ambry Variant Classification Scheme 2023. Collection method: clinical testing. Allele origin: germline.
Comment: The p.D119E variant (also known as c.357T>A), located in coding exon 4 of the MUTYH gene, results from a T to A substitution at nucleotide position 357. The aspartic acid at codon 119 is replaced by glutamic acid, an amino acid with highly similar properties. This amino acid position is conserved. In addition, this alteration is predicted to be tolerated by in silico analysis. Based on the available evidence, the clinical significance of this variant remains unclear.

NM_001048174.2(MUTYH):c.273T>A (p.Asp91Glu)

Gene: MUTYH (mutY DNA glycosylase; minus strand). Cytogenetic location: 1p34.1.
Variant type: single nucleotide variant.
Coding change: c.273T>A on transcript NM_001048174.2 (MANE Select); coding-DNA position 273, T replaced by A.
Protein change: p.Asp91Glu; replaces aspartic acid 91 with glutamic acid.
Molecular consequence: missense variant. On other transcripts: 5 prime UTR variant (3), initiator codon variant (3), non-coding transcript variant (7).
Genome position (GRCh38, 1-based): chr1:45,333,316, A>T on the plus strand (T>A on the coding strand, the complement: MUTYH is on the minus strand). VCF-style: chr1-45333316-A-T. GRCh37 (hg19) VCF-style: chr1-45798988-A-T.
Other names: c.273T>A, p.Asp91Glu (NM_001048171.2, NM_001048173.2, NM_001293195.2 and 6 more transcripts); c.276T>A, p.Asp92Glu (NM_001048172.2, NM_001407071.1, NM_001407078.1 and 2 more transcripts); c.357T>A, p.Asp119Glu (NM_001128425.2); c.318T>A, p.Asp106Glu (NM_001293190.2); c.306T>A, p.Asp102Glu (NM_001293191.2, NM_001407077.1); c.-4T>A (NM_001293192.2, NM_001293196.2, NM_001407091.1); c.2T>A, p.Met1Lys (NM_001350650.2, NM_001350651.2, NM_001407082.1); c.348T>A, p.Asp116Glu (NM_001407069.1, NM_012222.3); and 3 more; short protein forms D102E, D106E, D63E, D105E, D91E, D92E, D98E, D116E.
Identifiers: ClinVar variation 4113620 (VCV004113620.1).